The following is an entry in ClinVar:

NM_024529.5(CDC73):c.*1833A>G

Gene: CDC73 (cell division cycle 73; plus strand). Cytogenetic location: 1q31.2.
Variant type: single nucleotide variant.
Coding change: c.*1833A>G on transcript NM_024529.5 (MANE Select); 1833 bases downstream of the stop codon, A replaced by G.
Molecular consequence: 3 prime UTR variant.
Genome position (GRCh38, 1-based): chr1:193,252,545, A>G. VCF-style: chr1-193252545-A-G. GRCh37 (hg19) VCF-style: chr1-193221675-A-G.
Identifiers: ClinVar variation 294440 (VCV000294440.5), dbSNP rs150894778, ClinGen allele CA10609216.

ClinVar aggregate classification (germline): Conflicting classifications of pathogenicity. Review status: criteria provided, conflicting classifications (1 of 4 stars). 3 submissions from 1 submitter: Uncertain significance (1); Benign (2). Last evaluated 2018-01-12.

Conditions:
Parathyroid carcinoma (PRTC). Also called: Parathyroid gland carcinoma; CDC73-Related Parathyroid Carcinoma. Identifiers: Orphanet 143, MedGen C0687150, MONDO:0012004, OMIM 608266, HP:0006780.
Hyperparathyroidism 1 (HRPT1). Also called: HYPERPARATHYROIDISM, FAMILIAL ISOLATED PRIMARY. Identifiers: Orphanet 99879, MedGen C1840402, MONDO:0007767, OMIM 145000.
Hyperparathyroidism 2 with jaw tumors. Also called: Hyperparathyroidism 2; HYPERPARATHYROIDISM, FAMILIAL PRIMARY, WITH MULTIPLE OSSIFYING JAW FIBROMAS; HYPERPARATHYROIDISM-JAW TUMOR SYNDROME, HEREDITARY; Hyperparathyroidism-Jaw Tumor Syndrome. Identifiers: Orphanet 99880, MedGen C1704981, MONDO:0007768, OMIM 145001.

Allele frequency attached by ClinVar (database versions not stated): gnomAD 0.00018 and 0.00038; TOPMed 0.00019; gnomAD exomes 0.00029; 1000 Genomes Project 30x 0.00094; 1000 Genomes Project 0.00100.
gnomAD v4.1: 80 of 230,612 alleles (0.035%); highest among the groups gnomAD compares: South Asian, 0.63%; 1 homozygote.

Submissions (3):

Illumina Laboratory Services, Illumina
Classification: Benign for Parathyroid carcinoma. Last evaluated: 2018-01-12. Review status: criteria provided, single submitter. Criteria: ICSL Variant Classification Criteria 13 December 2019. Collection method: clinical testing. Allele origin: germline.
Comment: This variant was observed in the ICSL laboratory as part of a predisposition screen in an ostensibly healthy population. It had not been previously curated by ICSL or reported in the Human Gene Mutation Database (HGMD: prior to June 1st, 2018), and was therefore a candidate for classification through an automated scoring system. Utilizing variant allele frequency, disease prevalence and penetrance estimates, and inheritance mode, an automated score was calculated to assess if this variant is too frequent to cause the disease. Based on the score and internal cut-off values, a variant classified as benign is not then subjected to further curation. The score for this variant resulted in a classification of benign for this disease.

Illumina Laboratory Services, Illumina
Classification: Uncertain significance for Hyperparathyroidism 1. Last evaluated: 2018-01-12. Review status: criteria provided, single submitter. Criteria: ICSL Variant Classification Criteria 13 December 2019. Collection method: clinical testing. Allele origin: germline.

Illumina Laboratory Services, Illumina
Classification: Benign for Hyperparathyroidism 2 with jaw tumors. Last evaluated: 2018-01-12. Review status: criteria provided, single submitter. Criteria: ICSL Variant Classification Criteria 13 December 2019. Collection method: clinical testing. Allele origin: germline.
Comment: the same text as in the submission from Illumina Laboratory Services, Illumina above.